The following is an entry in ClinVar:

NM_001101.5(ACTB):c.364-9G>C

Gene: ACTB (actin beta; minus strand). Cytogenetic location: 7p22.1.
Variant type: single nucleotide variant.
Coding change: c.364-9G>C on transcript NM_001101.5 (MANE Select); 9 bases into the intron before coding-DNA position 364, G replaced by C.
Molecular consequence: intron variant.
Genome position (GRCh38, 1-based): chr7:5,528,728, C>G on the plus strand (G>C on the coding strand, the complement: ACTB is on the minus strand). VCF-style: chr7-5528728-C-G. GRCh37 (hg19) VCF-style: chr7-5568359-C-G.
Other names: c.364-9G>C (NM_001101.3).
Identifiers: ClinVar variation 1614558 (VCV001614558.11), dbSNP rs371859807, ClinGen allele CA4147010.

ClinVar aggregate classification (germline): Likely benign. Review status: criteria provided, multiple submitters, no conflicts (2 of 4 stars). 3 submissions from 3 submitters: Likely benign (2). 1 of the submissions does not count toward it. Last evaluated 2025-12-21.

Conditions:
Baraitser-Winter syndrome 1 (BRWS1). Also called: BARAITSER-WINTER SYNDROME 1, ATYPICAL; MENTAL RETARDATION WITH EPILEPSY AND CHARACTERISTIC FACIES; PACHYGYRIA, MENTAL RETARDATION, EPILEPSY, AND CHARACTERISTIC FACIES; Cerebrofrontofacial syndrome. Identifiers: Orphanet 2649, Orphanet 2995, MedGen C1855722, MONDO:0009470, OMIM 243310.
ACTB-related disorder. Also called: ACTB-related disorders; ACTB-related condition.

Allele frequency attached by ClinVar (database versions not stated): gnomAD exomes 0.00001 and 0.00002; gnomAD 0.00002 and 0.00003; ExAC 0.00003; TOPMed 0.00003; ESP Exome Variant Server 0.00015.
gnomAD v4.1: 35 of 1,612,498 alleles (0.0022%); highest among the groups gnomAD compares: Non-Finnish European, 0.003%; no homozygotes.

Submissions (3):

Labcorp Genetics (formerly Invitae), Labcorp
Classification: Likely benign for Baraitser-Winter syndrome 1. Last evaluated: 2025-12-21. Review status: criteria provided, single submitter. Criteria: Invitae Variant Classification Sherloc (09022015). Collection method: clinical testing. Allele origin: germline.

Blueprint Genetics
Classification: Likely benign. Last evaluated: 2024-11-13. Review status: criteria provided, single submitter. Criteria: ACMG Guidelines, 2015. Collection method: clinical testing. Allele origin: germline.

PreventionGenetics, part of Exact Sciences
Classification: Likely benign for ACTB-related condition. Last evaluated: 2021-07-23. Review status: no assertion criteria provided. Collection method: clinical testing. Allele origin: germline. Not counted in ClinVar's aggregate classification.
Comment: This variant is classified as likely benign based on ACMG/AMP sequence variant interpretation guidelines (Richards et al. 2015 PMID: 25741868, with internal and published modifications).